The following is an entry in ClinVar:

NM_144997.7(FLCN):c.1301-18G>A

Gene: FLCN (folliculin; minus strand). Cytogenetic location: 17p11.2.
Variant type: single nucleotide variant.
Coding change: c.1301-18G>A on transcript NM_144997.7 (MANE Select); 18 bases into the intron before coding-DNA position 1301, G replaced by A.
Molecular consequence: intron variant.
Genome position (GRCh38, 1-based): chr17:17,215,334, C>T on the plus strand (G>A on the coding strand, the complement: FLCN is on the minus strand). VCF-style: chr17-17215334-C-T. GRCh37 (hg19) VCF-style: chr17-17118648-C-T.
Other names: c.1301-18G>A (NM_001353231.2, NM_001353230.2, LRG_325t1); c.1355-18G>A (NM_001353229.2).
Identifiers: ClinVar variation 390075 (VCV000390075.10), dbSNP rs186967236, ClinGen allele CA8416039.

ClinVar aggregate classification (germline): Likely benign. Review status: criteria provided, multiple submitters, no conflicts (2 of 4 stars). 3 submissions from 3 submitters: Likely benign (3). Last evaluated 2026-01-31.

Conditions:
Birt-Hogg-Dube syndrome. Also called: Birt Hogg Dubé syndrome. Identifiers: Orphanet 122, MedGen C0346010, MONDO:0800444.

Allele frequency attached by ClinVar (database versions not stated): ExAC 0.00001; gnomAD 0.00001; TOPMed 0.00001; 1000 Genomes Project 30x 0.00016; 1000 Genomes Project 0.00020.
gnomAD v4.1: 18 of 1,613,680 alleles (0.0011%); highest among the groups gnomAD compares: Non-Finnish European, 0.0014%; no homozygotes.

Submissions (3):

Labcorp Genetics (formerly Invitae), Labcorp
Classification: Likely benign for Birt-Hogg-Dube syndrome. Last evaluated: 2026-01-31. Review status: criteria provided, single submitter. Criteria: Invitae Variant Classification Sherloc (09022015). Collection method: clinical testing. Allele origin: germline.

Blueprint Genetics
Classification: Likely benign. Last evaluated: 2022-02-07. Review status: criteria provided, single submitter. Criteria: ACMG Guidelines, 2015. Collection method: clinical testing. Allele origin: germline.

GeneDx
Classification: Likely benign. Last evaluated: 2016-10-12. Review status: criteria provided, single submitter. Criteria: GeneDx Variant Classification (06012015). Collection method: clinical testing. Allele origin: germline. Affected: yes.
Comment: This variant is considered likely benign or benign based on one or more of the following criteria: it is a conservative change, it occurs at a poorly conserved position in the protein, it is predicted to be benign by multiple in silico algorithms, and/or has population frequency not consistent with disease.